The following is an entry in ClinVar:

ClinVar aggregate classification (germline): Uncertain significance (1 of 4 stars; one submission).

Conditions:
Non-syndromic X-linked intellectual disability (XLID). Also called: Mental retardation, nonsyndromic, X-linked. Identifiers: Orphanet 777, MedGen C3501611, MONDO:0019181.

Submission:

Victorian Clinical Genetics Services, Murdoch Childrens Research Institute
Classification: Uncertain significance for Non-syndromic X-linked intellectual disability. Last evaluated: 2025-07-09. Review status: criteria provided, single submitter. Criteria: ACMG Guidelines, 2015. Collection method: clinical testing. Allele origin: germline. Affected: yes.
Comment: This variant is classified as VUS-3B. Evidence in support of pathogenic classification: Variant is absent from gnomAD (v2, v3 and v4). Additional information: Variant is predicted to result in a missense amino acid change from histidine to glutamine; This variant is hemizygous; This gene is associated with X-linked recessive disease; This variant has no previous evidence of pathogenicity; No published segregation evidence has been identified for this variant; No published functional evidence has been identified for this variant; No comparable missense variants have previous evidence for pathogenicity; Variant is not located in an established domain, motif, hotspot or informative constraint region; Missense variant with inconclusive in silico prediction and uninformative conservation; Loss of function is a known mechanism of disease in this gene and is associated with non-syndromic X-linked intellectual disability (MONDO:0019181), PTCHD1-related; Variants in this gene are known to have variable expressivity (PMID: 25131214).

Literature cited by the submitters: PubMed 25131214.

NM_173495.3(PTCHD1):c.465C>G (p.His155Gln)

Gene: PTCHD1 (patched domain containing 1; plus strand). Cytogenetic location: Xp22.11.
Variant type: single nucleotide variant.
Coding change: c.465C>G on transcript NM_173495.3 (MANE Select); coding-DNA position 465, C replaced by G.
Protein change: p.His155Gln; replaces histidine 155 with glutamine.
Molecular consequence: missense variant.
Genome position (GRCh38, 1-based): chrX:23,379,704, C>G. VCF-style: chrX-23379704-C-G. GRCh37 (hg19) VCF-style: chrX-23397821-C-G.
Other names: short protein forms H155Q.
Identifiers: ClinVar variation 4532182 (VCV004532182.1).
Genomic context (GRCh38, chrX:23,379,704, plus strand): 5'-GTTTGCCCATATATGTATCCTGAATAATGATAAGACTTGCATCGTGGATGACATAGTGCA[C>G]GTCCTGGAAGAGCTAAAGAATGCTCGGGCCACCAATCGGACCAATTTTGCTATCACATAC-3'
Protein context (NP_775766.2, residues 145-165): DKTCIVDDIV[His155Gln]VLEELKNARA